The following is an entry in ClinVar:

ClinVar aggregate classification (germline): Likely pathogenic (1 of 4 stars; one submission).

Submission:

Quest Diagnostics Nichols Institute San Juan Capistrano
Classification: Likely pathogenic. Last evaluated: 2024-11-13. Review status: criteria provided, single submitter. Criteria: ACMG/ClinGen CNV Guidelines, 2019. Collection method: clinical testing. Allele origin: unknown.
Comment: This 7p21.2p15.2 duplication involves more than 60 protein-coding genes. Heterozygous duplications sharing major overlap with the current interval have been reported in individuals with various phenotypes (Cox 2002, Geckinli 2014, Papadopoulou 2006). Furthermore, there are no similar copy number gains of this region in the general populations of the Database of Genomic Variants. Based on the gene content of this interval and current medical literature, this copy number variant (CNV) is considered likely pathogenic. References: Cox et al., Am J Med Genet. 2002 May 15;109(4):306-10. PMID: 11992485 Geckinli et al., Genet Couns. 2014;25(4):405-12. PMID: 25804019 Papadopoulou et al., Am J Med Genet A. 2006 Dec 15;140(24):2802-6. PMID: 17103460

GRCh37/hg19 7p21.2-15.2(chr7:16417575-27541028)x3

Genes: ABCB5 (ATP binding cassette subfamily B member 5; plus strand), AGR2 (anterior gradient 2, protein disulphide isomerase family member; minus strand), AGR3 (anterior gradient 3, protein disulphide isomerase family member; minus strand), AHR (aryl hydrocarbon receptor; plus strand), ANKMY2 (ankyrin repeat and MYND domain containing 2; minus strand) and 64 more. Cytogenetic location: 7p21.2-15.2.
Variant type: copy number gain.
Change: copy number 3 (three copies instead of two) of chr7:16,417,575-27,541,028 (11.12 Mb, GRCh37 coordinates, 1-based), cytogenetic band 7p21.2-15.2.
Identifiers: ClinVar variation 4682686 (VCV004682686.1).